The following is an entry in ClinVar:

ClinVar aggregate classification (germline): Pathogenic/Likely pathogenic. Review status: criteria provided, multiple submitters, no conflicts (2 of 4 stars). 4 submissions from 4 submitters: Pathogenic (2); Likely pathogenic (2). Last evaluated 2026-02-05.

Conditions:
Retinitis pigmentosa 25 (RP25). Identifiers: Orphanet 791, MedGen C1864446, MONDO:0011272, OMIM 602772.

Allele frequency attached by ClinVar (database versions not stated): TOPMed below 0.00001; gnomAD 0.00001.
gnomAD v4.1: 2 of 1,551,732 alleles (0.00013%); highest among the groups gnomAD compares: Admixed American, 0.002%; no homozygotes.

Submissions (4):

Myriad Genetics, Inc.
Classification: Pathogenic for Retinitis pigmentosa 25. Last evaluated: 2026-02-05. Review status: criteria provided, single submitter. Criteria: Myriad Autosomal Dominant, Autosomal Recessive and X-Linked Classification Criteria (2023). Collection method: clinical testing. Allele origin: unknown.
Comment: NM_001142800.1(EYS):c.8659G>T(G2887*) is a nonsense variant classified as pathogenic in the context of retinitis pigmentosa, EYS-related. G2887* has not been observed in cases with relevant disease. Relevant functional assessments of this variant are not available in the literature. G2887* has not been observed in referenced population frequency databases. In summary, NM_001142800.1(EYS):c.8659G>T(G2887*) is a nonsense variant in a gene where loss of function is a known mechanism of disease and is predicted to disrupt protein function. Please note: this variant was assessed in the context of healthy population screening.

Natera, Inc.
Classification: Likely pathogenic for Retinitis pigmentosa type 25. Last evaluated: 2026-01-20. Review status: criteria provided, single submitter. Criteria: Natera Variant Classification Schema (03/2026). Collection method: clinical testing. Allele origin: germline.
Comment: The c.8659G>T variant in EYS is a nonsense variant predicted to introduce a stop codon at amino acid 2887. This variant is expected to result in nonsense mediated decay, truncation, or a dysfunctional protein product. This variant is rare in the general population with a frequency below the threshold expected for the associated phenotype(s). Given the available evidence, this variant is classified as Likely Pathogenic.

Labcorp Genetics (formerly Invitae), Labcorp
Classification: Pathogenic. Last evaluated: 2025-06-23. Review status: criteria provided, single submitter. Criteria: Invitae Variant Classification Sherloc (09022015). Collection method: clinical testing. Allele origin: germline.
Comment: This sequence change creates a premature translational stop signal (p.Gly2887*) in the EYS gene. While this is not anticipated to result in nonsense mediated decay, it is expected to disrupt the last 258 amino acid(s) of the EYS protein. This variant is not present in population databases (gnomAD no frequency). This variant has not been reported in the literature in individuals affected with EYS-related conditions. ClinVar contains an entry for this variant (Variation ID: 943519). This variant disrupts a region of the EYS protein in which other variant(s) (p.Tyr3135*) have been determined to be pathogenic (PMID: 18976725, 30337596). This suggests that this is a clinically significant region of the protein, and that variants that disrupt it are likely to be disease-causing. For these reasons, this variant has been classified as Pathogenic.

Baylor Genetics
Classification: Likely pathogenic for Retinitis pigmentosa 25. Last evaluated: 2024-03-30. Review status: criteria provided, single submitter. Criteria: ACMG Guidelines, 2015. Collection method: clinical testing. Allele origin: unknown.

Literature cited by the submitters: PubMed 18976725 (cited by Labcorp Genetics (formerly Invitae), Labcorp); PubMed 30337596 (cited by Labcorp Genetics (formerly Invitae), Labcorp).

NM_001142800.2(EYS):c.8659G>T (p.Gly2887Ter)

Genes: EYS (EGF-like photoreceptor maintenance factor; minus strand), PHF3 (PHD finger protein 3; plus strand). Cytogenetic location: 6q12.
Variant type: single nucleotide variant.
Coding change: c.8659G>T on transcript NM_001142800.2 (MANE Select); coding-DNA position 8659, G replaced by T.
Protein change: p.Gly2887Ter; replaces glycine 2887 with a stop codon.
Molecular consequence: nonsense. On other transcripts: 3 prime UTR variant (5).
Genome position (GRCh38, 1-based): chr6:63,721,372, C>A on the plus strand (G>T on the coding strand, the complement: EYS is on the minus strand). VCF-style: chr6-63721372-C-A. GRCh37 (hg19) VCF-style: chr6-64431268-C-A.
Other names: c.*7664C>A (NM_001290259.2, NM_001370348.2, NM_001370349.2 and 2 more transcripts); c.8722G>T, p.Gly2908Ter (NM_001292009.2); short protein forms G2887*, G2908*.
Identifiers: ClinVar variation 943519 (VCV000943519.11), dbSNP rs1768381543, ClinGen allele CA364384263.
Genomic context (GRCh38, chr6:63,721,372, plus strand): 5'-CAGCCCAATCTGGCAAACATCTGCAAGAAAAAGTTGTGCCATTTACTGTACATTCACCTC[C>A]ATTTCTGCATGTGTTGTACCCACAGGCTGTCCCATCACAGTCACCTACATTTGAGCCACC-3'